The following is an entry in ClinVar:

ClinVar aggregate classification (germline): Uncertain significance (1 of 4 stars; one submission).

Conditions:
Glycogen storage disease due to muscle beta-enolase deficiency (GSD13). Also called: ENOLASE 3 DEFICIENCY; ENOLASE-BETA DEFICIENCY; GSD XIII; Glycogen Storage Disease Type XIII. Identifiers: Orphanet 99849, MedGen C2752027, MONDO:0013046, OMIM 612932.

Allele frequency attached by ClinVar (database versions not stated): gnomAD 0.00001.
gnomAD v4.1: 3 of 1,614,102 alleles (0.00019%); highest among the groups gnomAD compares: African/African-American, 0.0027%; no homozygotes.

Submission:

Labcorp Genetics (formerly Invitae), Labcorp
Classification: Uncertain significance for Glycogen storage disease due to muscle beta-enolase deficiency. Last evaluated: 2022-08-09. Review status: criteria provided, single submitter. Criteria: Invitae Variant Classification Sherloc (09022015). Collection method: clinical testing. Allele origin: germline.
Comment: In summary, the available evidence is currently insufficient to determine the role of this variant in disease. Therefore, it has been classified as a Variant of Uncertain Significance. Algorithms developed to predict the effect of sequence changes on RNA splicing suggest that this variant may create or strengthen a splice site. Algorithms developed to predict the effect of missense changes on protein structure and function are either unavailable or do not agree on the potential impact of this missense change (SIFT: "Deleterious"; PolyPhen-2: "Probably Damaging"; Align-GVGD: "Class C0"). ClinVar contains an entry for this variant (Variation ID: 1443696). This variant has not been reported in the literature in individuals affected with ENO3-related conditions. This variant is not present in population databases (gnomAD no frequency). This sequence change replaces glycine, which is neutral and non-polar, with glutamic acid, which is acidic and polar, at codon 61 of the ENO3 protein (p.Gly61Glu).

NM_053013.4(ENO3):c.182G>A (p.Gly61Glu)

Gene: ENO3 (enolase 3; plus strand). Cytogenetic location: 17p13.2.
Variant type: single nucleotide variant.
Coding change: c.182G>A on transcript NM_053013.4 (MANE Select); coding-DNA position 182, G replaced by A.
Protein change: p.Gly61Glu; replaces glycine 61 with glutamic acid.
Molecular consequence: missense variant. On other transcripts: intron variant (1).
Genome position (GRCh38, 1-based): chr17:4,953,051, G>A. VCF-style: chr17-4953051-G-A. GRCh37 (hg19) VCF-style: chr17-4856346-G-A.
Other names: c.182G>A, p.Gly61Glu (NM_001374523.1, NM_001976.5); c.209G>A, p.Gly70Glu (NM_001374524.1); c.181+161G>A (NM_001193503.2); short protein forms G61E, G70E.
Identifiers: ClinVar variation 1443696 (VCV001443696.6), dbSNP rs1971599259, ClinGen allele CA397284729.